The following is an entry in ClinVar:

ClinVar aggregate classification (germline): Pathogenic (1 of 4 stars; one submission).

Conditions:
Intellectual developmental disorder, X-linked, syndromic, Houge type. Also called: Intellectual disability, X-linked, syndromic, Houge type; MENTAL RETARDATION, X-LINKED, SYNDROMIC, HOUGE TYPE. Identifiers: MedGen C4538788, MONDO:0030909, OMIM 301008.

Submission:

Victorian Clinical Genetics Services, Murdoch Childrens Research Institute
Classification: Pathogenic for Intellectual developmental disorder, X-linked, syndromic, Houge type. Last evaluated: 2023-12-21. Review status: criteria provided, single submitter. Criteria: ACMG Guidelines, 2015. Collection method: clinical testing. Allele origin: germline. Inheritance: X-linked dominant inheritance. Affected: yes.
Comment: Based on the classification scheme VCGS_Germline_v1.3.4, this variant is classified as Pathogenic. Following criteria are met: 0102 - Loss of function is a known mechanism of disease in this gene and is associated with X-linked syndromic intellectual developmental disorder, Houge type (MIM#301008). (I) 0109 - This gene is associated with X-linked recessive disease. (I) 0115 - Variants in this gene are known to have variable expressivity. Intrafamilial variability has been reported amongst male individuals (PMID: 35053419). (I) 0201 - Variant is predicted to cause nonsense-mediated decay (NMD) and loss of protein (premature termination codon is located at least 54 nucleotides upstream of the final exon-exon junction). (SP) 0251 - This variant is heterozygous. (I) 0301 - Variant is absent from gnomAD (both v2 and v3). (SP) 0701 - Other NMD-predicted variants comparable to the one identified in this case have very strong previous evidence for pathogenicity (DECIPHER; ClinVar). (SP) 0802 - This variant has moderate previous evidence of pathogenicity in an unrelated individual. (SP) 0905 - No published segregation evidence has been identified for this variant. (I) 1007 - No published functional evidence has been identified for this variant. (SP) Legend: (SP) - Supporting pathogenic, (I) - Information, (SB) - Supporting benign

Literature cited by the submitters: PubMed 32197126; PubMed 35053419.

NM_014927.5(CNKSR2):c.2024_2027del (p.Glu675fs)

Gene: CNKSR2 (connector enhancer of kinase suppressor of Ras 2; plus strand). Cytogenetic location: Xp22.12.
Variant type: Microsatellite.
Coding change: c.2024_2027del on transcript NM_014927.5 (MANE Select); coding-DNA positions 2024 to 2027, 4 bases deleted (AGAG; older notation c.2024_2027delAGAG).
Protein change: p.Glu675fs; shifts the reading frame from glutamic acid 675.
Molecular consequence: frameshift variant.
Genome position (GRCh38, 1-based): chrX:21,601,329-21,601,332, AGAG deleted; deleting any 4 consecutive bases within chrX:21,601,325-21,601,332 gives the same sequence; the c. name uses the placement nearest the transcript's 3' end. VCF-style (leftmost placement, unchanged base first): chrX-21601324-AAGAG-A. GRCh37 (hg19) VCF-style: chrX-21619442-AAGAG-A.
Other names: c.1934_1937del, p.Glu645fs (NM_001168647.3, NM_001330773.2); c.2024_2027del, p.Glu675fs (NM_001168648.3); c.1877_1880del, p.Glu626fs (NM_001168649.3, NM_001330770.2); c.1787_1790del, p.Glu596fs (NM_001330771.2, NM_001330772.2); short protein forms E596fs, E626fs, E645fs, E675fs.
Identifiers: ClinVar variation 1805928 (VCV001805928.3), dbSNP rs1602013845, ClinGen allele CA2573320535.
Genomic context (GRCh38, chrX:21,601,324, plus strand): 5'-TAATATTTGTTTTCTCAGGTGGCTTAACAGAATTAATATGCTGACTGCAGGATATGCAGA[AAGAG>A]AGAGGATTAAGCAGGAACAAGGTAAAGGAATACTTTTTTAAAATAATTATGTTATACTTT-3'